The following is an entry in ClinVar:

ClinVar aggregate classification (germline): Likely pathogenic (1 of 4 stars; one submission).

Conditions:
Schwartz-Jampel syndrome type 1 (SJS1). Also called: MYOTONIC MYOPATHY, DWARFISM, CHONDRODYSTROPHY, AND OCULAR AND FACIAL ABNORMALITIES; CHONDRODYSTROPHIC MYOTONIA. Identifiers: MedGen C4551479, MONDO:0100435, OMIM 255800.

Submission:

Variantyx, Inc.
Classification: Likely pathogenic for Schwartz-Jampel syndrome type 1. Last evaluated: 2025-03-11. Review status: criteria provided, single submitter. Criteria: Variantyx Assertion Criteria 2022. Collection method: clinical testing. Allele origin: germline. Inheritance: Autosomal recessive inheritance.
Comment: This is a frameshift variant in the HSPG2 gene (OMIM: 142461). Pathogenic variants in this gene have been associated with autosomal recessive Schwartz-Jampel syndrome type 1. This variant introduces a premature termination codon in exon 8 out of 97 and is expected to result in loss of function, which is a known disease mechanism for HSPG2 in this disorder (PMID: 27578148) (PVS1). It is absent from control populations (PM2_Supporting)cand it has not been reported in individuals with HSPG2-related disorders in the databases available for review. Based on the current evidence, this variant is classified as likely pathogenic for autosomal recessive Schwartz-Jampel syndrome type 1.

Literature cited by the submitters: PubMed 27578148.

NM_005529.7(HSPG2):c.862del (p.Gln288fs)

Gene: HSPG2 (heparan sulfate proteoglycan 2; minus strand). Cytogenetic location: 1p36.12.
Variant type: Deletion.
Coding change: c.862del on transcript NM_005529.7 (MANE Select); coding-DNA position 862, one base deleted (C; older notation c.862delC).
Protein change: p.Gln288fs; shifts the reading frame from glutamine 288.
Molecular consequence: frameshift variant.
Genome position (GRCh38, 1-based): chr1:21,887,516, G deleted on the plus strand (C on the coding strand, the reverse complement: HSPG2 is on the minus strand); the first of 4 consecutive G bases (chr1:21,887,516-21,887,519); deleting any one gives the same sequence. VCF-style (leftmost placement, unchanged base first): chr1-21887515-TG-T. GRCh37 (hg19) VCF-style: chr1-22214008-TG-T.
Other names: c.862del, p.Gln288fs (NM_001291860.2); short protein forms Q288fs.
Identifiers: ClinVar variation 4850187 (VCV004850187.1).